The following is an entry in ClinVar:

ClinVar aggregate classification (germline): Uncertain significance. Review status: criteria provided, multiple submitters, no conflicts (2 of 4 stars). 3 submissions from 3 submitters: Uncertain significance (2). 1 of the submissions does not count toward it. Last evaluated 2023-12-11.

Conditions:
Optic atrophy. Identifiers: MedGen C0029124, MONDO:0003608, HP:0000648.

Allele frequency attached by ClinVar (database versions not stated): TOPMed 0.00014.

Submissions (3):

Labcorp Genetics (formerly Invitae), Labcorp
Classification: Uncertain significance. Last evaluated: 2023-12-11. Review status: criteria provided, single submitter. Criteria: Invitae Variant Classification Sherloc (09022015). Collection method: clinical testing. Allele origin: germline.
Comment: This sequence change replaces proline, which is neutral and non-polar, with leucine, which is neutral and non-polar, at codon 321 of the SAMD11 protein (p.Pro321Leu). This variant is present in population databases (rs200038862, gnomAD 0.03%). This variant has not been reported in the literature in individuals affected with SAMD11-related conditions. ClinVar contains an entry for this variant (Variation ID: 1043143). An algorithm developed to predict the effect of missense changes on protein structure and function (PolyPhen-2) suggests that this variant is likely to be disruptive. In summary, the available evidence is currently insufficient to determine the role of this variant in disease. Therefore, it has been classified as a Variant of Uncertain Significance.

Ambry Genetics
Classification: Uncertain significance. Last evaluated: 2023-12-09. Review status: criteria provided, single submitter. Criteria: Ambry Variant Classification Scheme 2023. Collection method: clinical testing. Allele origin: germline.

Institute of Human Genetics, Univ. Regensburg, Univ. Regensburg
Classification: Uncertain significance for Optic atrophy. Last evaluated: 2023-01-01. Review status: no assertion criteria provided. Criteria: ACMG Guidelines, 2015. Collection method: clinical testing. Allele origin: germline. Affected: yes. Not counted in ClinVar's aggregate classification.

NM_001385641.1(SAMD11):c.1451C>T (p.Pro484Leu)

Gene: SAMD11 (sterile alpha motif domain containing 11; plus strand). Cytogenetic location: 1p36.33.
Variant type: single nucleotide variant.
Coding change: c.1451C>T on transcript NM_001385641.1 (MANE Select); coding-DNA position 1451, C replaced by T.
Protein change: p.Pro484Leu; replaces proline 484 with leucine.
Molecular consequence: missense variant.
Genome position (GRCh38, 1-based): chr1:942,228, C>T. VCF-style: chr1-942228-C-T. GRCh37 (hg19) VCF-style: chr1-877608-C-T.
Other names: c.1454C>T, p.Pro485Leu (NM_001385640.1); c.962C>T, p.Pro321Leu (NM_152486.4); c.962C>T (NM_152486.2); short protein forms P485L, P321L, P484L.
Identifiers: ClinVar variation 1043143 (VCV001043143.8), dbSNP rs200038862, ClinGen allele CA502910.